The following is an entry in ClinVar:

NM_004519.4(KCNQ3):c.714G>A (p.Leu238=)

Gene: KCNQ3 (potassium voltage-gated channel subfamily Q member 3; minus strand). Cytogenetic location: 8q24.22.
Variant type: single nucleotide variant.
Coding change: c.714G>A on transcript NM_004519.4 (MANE Select); coding-DNA position 714, G replaced by A.
Protein change: p.Leu238=; no amino-acid change (leucine 238 retained).
Molecular consequence: synonymous variant.
Genome position (GRCh38, 1-based): chr8:132,180,220, C>T on the plus strand (G>A on the coding strand, the complement: KCNQ3 is on the minus strand). VCF-style: chr8-132180220-C-T. GRCh37 (hg19) VCF-style: chr8-133192467-C-T.
Other names: c.354G>A, p.Leu118= (NM_001204824.2).
Identifiers: ClinVar variation 516133 (VCV000516133.22), dbSNP rs377171734, ClinGen allele CA4880861.

ClinVar aggregate classification (germline): Likely benign. Review status: criteria provided, multiple submitters, no conflicts (2 of 4 stars). 3 submissions from 3 submitters: Likely benign (3). Last evaluated 2026-01-28.

Conditions:
Benign neonatal seizures. Also called: Benign familial neonatal seizures; Convulsions benign familial neonatal dominant form; Autosomal dominant form of benign neonatal seizures; Benign neonatal familial convulsions; Benign familial neonatal epilepsy. Identifiers: Orphanet 1949, MedGen C0220669, MONDO:0016027.

Allele frequency attached by ClinVar (database versions not stated): TOPMed 0.00002; ExAC 0.00004; gnomAD 0.00004; gnomAD exomes 0.00005 and 0.00006; ESP Exome Variant Server 0.00008.
gnomAD v4.1: 99 of 1,614,088 alleles (0.0061%); highest among the groups gnomAD compares: Middle Eastern, 0.099%; 1 homozygote.

Submissions (3):

Labcorp Genetics (formerly Invitae), Labcorp
Classification: Likely benign for Benign neonatal seizures. Last evaluated: 2026-01-28. Review status: criteria provided, single submitter. Criteria: Invitae Variant Classification Sherloc (09022015). Collection method: clinical testing. Allele origin: germline.

CeGaT Center for Human Genetics Tuebingen
Classification: Likely benign. Last evaluated: 2025-06-01. Review status: criteria provided, single submitter. Criteria: CeGaT Center For Human Genetics Tuebingen Variant Classification Criteria Version 2. Collection method: clinical testing. Allele origin: germline. Affected: yes. Observed: 1 variant allele.
Comment: KCNQ3: BP4, BP7

GeneDx
Classification: Likely benign. Last evaluated: 2021-09-10. Review status: criteria provided, single submitter. Criteria: GeneDx Variant Classification Process June 2021. Collection method: clinical testing. Allele origin: germline. Affected: yes.